The following is an entry in ClinVar:

NM_000051.4(ATM):c.2034T>C (p.Ile678=)

Gene: ATM (ATM serine/threonine kinase; plus strand). Cytogenetic location: 11q22.3.
Variant type: single nucleotide variant.
Coding change: c.2034T>C on transcript NM_000051.4 (MANE Select); coding-DNA position 2034, T replaced by C.
Protein change: p.Ile678=; no amino-acid change (isoleucine 678 retained).
Molecular consequence: synonymous variant.
Genome position (GRCh38, 1-based): chr11:108,253,949, T>C. VCF-style: chr11-108253949-T-C. GRCh37 (hg19) VCF-style: chr11-108124676-T-C.
Other names: c.2034T>C, p.Ile678= (NM_001351834.2).
Identifiers: ClinVar variation 414567 (VCV000414567.13), dbSNP rs1013513956, ClinGen allele CA16613270.

ClinVar aggregate classification (germline): Benign/Likely benign. Review status: criteria provided, multiple submitters, no conflicts (2 of 4 stars). 3 submissions from 3 submitters: Benign (1); Likely benign (2). Last evaluated 2026-01-27.

Conditions:
Hereditary cancer-predisposing syndrome. Also called: Tumor predisposition; Neoplastic Syndromes, Hereditary; Hereditary Cancer Syndrome; Hereditary neoplastic syndrome. Identifiers: Orphanet 140162, MedGen C0027672, MeSH D009386, MONDO:0015356.
Ataxia-telangiectasia syndrome (AT). Also called: Ataxia-telangiectasia; Cerebello-oculocutaneous telangiectasia; Immunodeficiency with ataxia telangiectasia; ATAXIA-TELANGIECTASIA, COMPLEMENTATION GROUP A; ATAXIA-TELANGIECTASIA, FRESNO VARIANT; Ataxia-telangiectasia, complementation group D. Identifiers: Orphanet 100, MedGen C0004135, MONDO:0008840, OMIM 208900.
Familial cancer of breast. Also called: Hereditary breast cancer; BREAST CANCER, FAMILIAL; hereditary breast carcinoma. Identifiers: Orphanet 227535, MedGen C0346153, MONDO:0016419, OMIM 114480. Disease mechanism: loss of function.

Submissions (3):

Labcorp Genetics (formerly Invitae), Labcorp
Classification: Likely benign for Ataxia-telangiectasia syndrome. Last evaluated: 2026-01-27. Review status: criteria provided, single submitter. Criteria: Invitae Variant Classification Sherloc (09022015). Collection method: clinical testing. Allele origin: germline.

Myriad Genetics, Inc.
Classification: Benign for Familial cancer of breast. Last evaluated: 2024-05-06. Review status: criteria provided, single submitter. Criteria: Myriad Autosomal Dominant, Autosomal Recessive and X-Linked Classification Criteria (2023). Collection method: clinical testing. Allele origin: unknown.
Comment: This variant is considered benign. This variant is a silent/synonymous amino acid change and it is not expected to impact splicing.

Ambry Genetics
Classification: Likely benign for Hereditary cancer-predisposing syndrome. Last evaluated: 2024-04-25. Review status: criteria provided, single submitter. Criteria: Ambry Variant Classification Scheme 2023. Collection method: clinical testing. Allele origin: germline.